The following is an entry in ClinVar:

ClinVar aggregate classification (germline): Likely benign. Review status: criteria provided, multiple submitters, no conflicts (2 of 4 stars). 4 submissions from 4 submitters: Likely benign (4). Last evaluated 2026-05-01.

Allele frequency attached by ClinVar (database versions not stated): gnomAD exomes 0.00026 and 0.00028; ESP Exome Variant Server 0.00031; gnomAD 0.00031 and 0.00032; TOPMed 0.00035; ExAC 0.00046.
gnomAD v4.1: 472 of 1,610,588 alleles (0.029%); highest among the groups gnomAD compares: Admixed American, 0.069%; 1 homozygote.

Submissions (4):

CeGaT Center for Human Genetics Tuebingen
Classification: Likely benign. Last evaluated: 2026-05-01. Review status: criteria provided, single submitter. Criteria: CeGaT Center For Human Genetics Tuebingen Variant Classification Criteria Version 2. Collection method: clinical testing. Allele origin: germline. Affected: yes. Observed: 3 variant alleles.
Comment: TRAPPC9: BP4, BP7

Labcorp Genetics (formerly Invitae), Labcorp
Classification: Likely benign. Last evaluated: 2026-01-15. Review status: criteria provided, single submitter. Criteria: Invitae Variant Classification Sherloc (09022015). Collection method: clinical testing. Allele origin: germline.

Blueprint Genetics
Classification: Likely benign. Last evaluated: 2024-09-30. Review status: criteria provided, single submitter. Criteria: ACMG Guidelines, 2015. Collection method: clinical testing. Allele origin: germline.

Genetic Services Laboratory, University of Chicago
Classification: Likely benign. Last evaluated: 2017-09-05. Review status: criteria provided, single submitter. Criteria: ACMG Guidelines, 2015. Collection method: clinical testing. Allele origin: germline. Affected: no.

NM_001160372.4(TRAPPC9):c.564A>G (p.Val188=)

Gene: TRAPPC9 (trafficking protein particle complex subunit 9; minus strand). Cytogenetic location: 8q24.3.
Variant type: single nucleotide variant.
Coding change: c.564A>G on transcript NM_001160372.4 (MANE Select); coding-DNA position 564, A replaced by G.
Protein change: p.Val188=; no amino-acid change (valine 188 retained).
Molecular consequence: synonymous variant. On other transcripts: non-coding transcript variant (1).
Genome position (GRCh38, 1-based): chr8:140,450,810, T>C on the plus strand (A>G on the coding strand, the complement: TRAPPC9 is on the minus strand). VCF-style: chr8-140450810-T-C. GRCh37 (hg19) VCF-style: chr8-141460909-T-C.
Other names: c.564A>G, p.Val188= (NM_001321646.2, NM_001374682.1, NM_001374683.1 and 2 more transcripts).
Identifiers: ClinVar variation 718864 (VCV000718864.38), dbSNP rs150743393, ClinGen allele CA4893706.